The following is an entry in ClinVar:

ClinVar aggregate classification (germline): Conflicting classifications of pathogenicity. Review status: criteria provided, conflicting classifications (1 of 4 stars). 13 submissions from 11 submitters: Uncertain significance (4); Likely benign (8). 1 of the submissions does not count toward it. Last evaluated 2026-01-27.

Conditions:
NPHP3-related disorder. Also called: NPHP3-related disorders; NPHP3-related condition. Identifiers: MedGen CN379163.
Nephronophthisis. Also called: Juvenile Nephronophthisis. Identifiers: Orphanet 655, MedGen C0687120, MONDO:0019005, HP:0000090.
Nephronophthisis 3 (NPHP3). Also called: Adolescent nephronophthisis. Identifiers: Orphanet 655, MedGen C1858392, MONDO:0011456, OMIM 604387.
NPHP3-related Meckel-like syndrome. Also called: Meckel syndrome type 7; GOLDSTON SYNDROME. Identifiers: Orphanet 3032, MedGen C2673885, MONDO:0009966, OMIM 267010.
Renal-hepatic-pancreatic dysplasia 1 (RHPD1). Identifiers: MedGen C3715199, MONDO:0008833, OMIM 208540.

Allele frequency attached by ClinVar (database versions not stated): ESP Exome Variant Server 0.00292; 1000 Genomes Project 30x 0.00078; gnomAD 0.00204 and 0.00211; gnomAD exomes 0.00322 and 0.00189; ExAC 0.00172; 1000 Genomes Project 0.00080; TOPMed 0.00192.
gnomAD v4.1: 4,930 of 1,614,046 alleles (0.31%); highest among the groups gnomAD compares: Non-Finnish European, 0.39%; 7 homozygotes.

Submissions (13):

Labcorp Genetics (formerly Invitae), Labcorp
Classification: Likely benign for Nephronophthisis. Last evaluated: 2026-01-27. Review status: criteria provided, single submitter. Criteria: Invitae Variant Classification Sherloc (09022015). Collection method: clinical testing. Allele origin: germline.

Mayo Clinic Laboratories, Mayo Clinic
Classification: Likely benign. Last evaluated: 2025-09-08. Review status: criteria provided, single submitter. Criteria: ACMG Guidelines, 2015. Collection method: clinical testing. Allele origin: germline. Observed: 2 variant alleles.
Comment: BS1, BS2

CeGaT Center for Human Genetics Tuebingen
Classification: Likely benign. Last evaluated: 2024-12-01. Review status: criteria provided, single submitter. Criteria: CeGaT Center For Human Genetics Tuebingen Variant Classification Criteria Version 2. Collection method: clinical testing. Allele origin: germline. Affected: yes. Observed: 2 variant alleles.
Comment: NPHP3: BS2

Blueprint Genetics
Classification: Likely benign. Last evaluated: 2024-11-26. Review status: criteria provided, single submitter. Criteria: ACMG Guidelines, 2015. Collection method: clinical testing. Allele origin: germline.

Laboratorio de Genetica e Diagnostico Molecular, Hospital Israelita Albert Einstein
Classification: Likely benign. Last evaluated: 2021-05-20. Review status: criteria provided, single submitter. Criteria: ACMG Guidelines, 2015. Collection method: clinical testing. Allele origin: germline. Affected: yes.
Comment: ACMG classification criteria: BS2, BP4

GeneDx
Classification: Likely benign. Last evaluated: 2021-01-30. Review status: criteria provided, single submitter. Criteria: GeneDx Variant Classification Process June 2021. Collection method: clinical testing. Allele origin: germline. Affected: yes.
Comment: This variant is associated with the following publications: (PMID: 17855640, 12872122)

Genetics and Molecular Pathology, SA Pathology
Classification: Uncertain significance for Renal-hepatic-pancreatic dysplasia 1. Last evaluated: 2020-06-25. Review status: criteria provided, single submitter. Criteria: ACMG Guidelines, 2015. Collection method: clinical testing. Allele origin: germline. Inheritance: Autosomal recessive inheritance. Affected: no.

Illumina Laboratory Services, Illumina
Classification: Uncertain significance for Nephronophthisis 3. Last evaluated: 2017-04-27. Review status: criteria provided, single submitter. Criteria: ICSL Variant Classification Criteria 13 December 2019. Collection method: clinical testing. Allele origin: germline.

Illumina Laboratory Services, Illumina
Classification: Uncertain significance for NPHP3-related Meckel-like syndrome. Last evaluated: 2017-04-27. Review status: criteria provided, single submitter. Criteria: ICSL Variant Classification Criteria 13 December 2019. Collection method: clinical testing. Allele origin: germline.

Illumina Laboratory Services, Illumina
Classification: Likely benign for Renal-hepatic-pancreatic dysplasia 1. Last evaluated: 2017-04-27. Review status: criteria provided, single submitter. Criteria: ICSL Variant Classification Criteria 13 December 2019. Collection method: clinical testing. Allele origin: germline.
Comment: This variant was observed as part of a predisposition screen in an ostensibly healthy population. A literature search was performed for the gene, cDNA change, and amino acid change (where applicable). No publications were found based on this search. Allele frequency data from public databases allowed determination this variant is unlikely to cause disease. Therefore, this variant is classified as likely benign.

Eurofins Ntd Llc (ga)
Classification: Likely benign. Last evaluated: 2016-01-12. Review status: criteria provided, single submitter. Criteria: EGL Classification Definitions 2015. Collection method: clinical testing. Allele origin: germline. Observed: 3 variant alleles, 3 heterozygotes.

Center for Pediatric Genomic Medicine, Children's Mercy Hospital and Clinics
Classification: Uncertain significance. Last evaluated: 2015-10-29. Review status: criteria provided, single submitter. Criteria: ACMG Guidelines, 2015. Collection method: clinical testing. Allele origin: germline.
ClinVar note: Converted during submission from Uncertain Significance to Uncertain significance.

PreventionGenetics, part of Exact Sciences
Classification: Likely benign for NPHP3-related condition. Last evaluated: 2021-03-26. Review status: no assertion criteria provided. Collection method: clinical testing. Allele origin: germline. Not counted in ClinVar's aggregate classification.
Comment: This variant is classified as likely benign based on ACMG/AMP sequence variant interpretation guidelines (Richards et al. 2015 PMID: 25741868, with internal and published modifications).

Literature cited by the submitters: PubMed 12872122 (cited by Mayo Clinic Laboratories, Mayo Clinic); PubMed 30476936 (cited by Mayo Clinic Laboratories, Mayo Clinic); PubMed 17855640 (cited by Eurofins Ntd Llc (ga)).

NM_153240.5(NPHP3):c.1157A>G (p.Asn386Ser)

Genes: NPHP3 (nephrocystin 3; minus strand), NPHP3-ACAD11 (NPHP3-ACAD11 readthrough (NMD candidate); minus strand). Cytogenetic location: 3q22.1.
Variant type: single nucleotide variant.
Coding change: c.1157A>G on transcript NM_153240.5 (MANE Select); coding-DNA position 1157, A replaced by G.
Protein change: p.Asn386Ser; replaces asparagine 386 with serine.
Molecular consequence: missense variant. On other transcripts: non-coding transcript variant (1).
Genome position (GRCh38, 1-based): chr3:132,708,219, T>C on the plus strand (A>G on the coding strand, the complement: NPHP3 is on the minus strand). VCF-style: chr3-132708219-T-C. GRCh37 (hg19) VCF-style: chr3-132427063-T-C.
Other names: short protein forms N386S.
Identifiers: ClinVar variation 96508 (VCV000096508.42), dbSNP rs142021049, ClinGen allele CA224190.